The following is an entry in ClinVar:

ClinVar aggregate classification (germline): Uncertain significance (1 of 4 stars; one submission).

Submission:

Labcorp Genetics (formerly Invitae), Labcorp
Classification: Uncertain significance. Last evaluated: 2022-07-06. Review status: criteria provided, single submitter. Criteria: Invitae Variant Classification Sherloc (09022015). Collection method: clinical testing. Allele origin: germline.
Comment: In summary, the available evidence is currently insufficient to determine the role of this variant in disease. Therefore, it has been classified as a Variant of Uncertain Significance. Algorithms developed to predict the effect of missense changes on protein structure and function are either unavailable or do not agree on the potential impact of this missense change (SIFT: "Not Available"; PolyPhen-2: "Probably Damaging"; Align-GVGD: "Not Available"). This variant has not been reported in the literature in individuals affected with ANK3-related conditions. This variant is not present in population databases (gnomAD no frequency). This sequence change replaces glycine, which is neutral and non-polar, with aspartic acid, which is acidic and polar, at codon 1085 of the ANK3 protein (p.Gly1085Asp).

NM_020987.5(ANK3):c.3254G>A (p.Gly1085Asp)

Gene: ANK3 (ankyrin 3; minus strand). Cytogenetic location: 10q21.2.
Variant type: single nucleotide variant.
Coding change: c.3254G>A on transcript NM_020987.5 (MANE Select); coding-DNA position 3254, G replaced by A.
Protein change: p.Gly1085Asp; replaces glycine 1085 with aspartic acid.
Molecular consequence: missense variant.
Genome position (GRCh38, 1-based): chr10:60,105,979, C>T on the plus strand (G>A on the coding strand, the complement: ANK3 is on the minus strand). VCF-style: chr10-60105979-C-T. GRCh37 (hg19) VCF-style: chr10-61865737-C-T.
Other names: c.656G>A, p.Gly219Asp (NM_001149.4); c.3236G>A, p.Gly1079Asp (NM_001204403.2); c.3257G>A, p.Gly1086Asp (NM_001204404.2); c.3254G>A, p.Gly1085Asp (NM_001320874.2); short protein forms G1085D, G219D, G1086D, G1079D.
Identifiers: ClinVar variation 2012989 (VCV002012989.4), dbSNP rs2492794725, ClinGen allele CA376991418.